The following is an entry in ClinVar:

ClinVar aggregate classification (germline): Uncertain significance (1 of 4 stars; one submission).

Allele frequency attached by ClinVar (database versions not stated): TOPMed below 0.00001; gnomAD 0.00001; gnomAD exomes 0.00001; ExAC 0.00002.

Submission:

Labcorp Genetics (formerly Invitae), Labcorp
Classification: Uncertain significance. Last evaluated: 2022-07-29. Review status: criteria provided, single submitter. Criteria: Invitae Variant Classification Sherloc (09022015). Collection method: clinical testing. Allele origin: germline.
Comment: This sequence change falls in intron 10 of the LTBP2 gene. It does not directly change the encoded amino acid sequence of the LTBP2 protein. It affects a nucleotide within the consensus splice site. This variant is present in population databases (rs772416277, gnomAD 0.01%). This variant has not been reported in the literature in individuals affected with LTBP2-related conditions. Variants that disrupt the consensus splice site are a relatively common cause of aberrant splicing (PMID: 17576681, 9536098). Algorithms developed to predict the effect of sequence changes on RNA splicing suggest that this variant may disrupt the consensus splice site. In summary, the available evidence is currently insufficient to determine the role of this variant in disease. Therefore, it has been classified as a Variant of Uncertain Significance.

Literature cited by the submitters: PubMed 17576681; PubMed 9536098.

NM_000428.3(LTBP2):c.1987+5del

Gene: LTBP2 (latent transforming growth factor beta binding protein 2; minus strand). Cytogenetic location: 14q24.3.
Variant type: Deletion.
Coding change: c.1987+5del on transcript NM_000428.3 (MANE Select); 5 bases into the intron after coding-DNA position 1987, one base deleted (G; older notation c.1987+5delG).
Molecular consequence: intron variant.
Genome position (GRCh38, 1-based): chr14:74,532,421, C deleted on the plus strand (G on the coding strand, the reverse complement: LTBP2 is on the minus strand). VCF-style (leftmost placement, unchanged base first): chr14-74532420-AC-A. GRCh37 (hg19) VCF-style: chr14-74999123-AC-A.
Identifiers: ClinVar variation 2082794 (VCV002082794.1), dbSNP rs772416277, ClinGen allele CA7269687.
Genomic context (GRCh38, chr14:74,532,420, plus strand): 5'-GTGGACCTGAAGTGTCCCATCTTGTCTCCCACTGTCCACCCCCACCCCATCCCTGCCAGC[AC>A]TCACACACACAGCGGCTCCGCGATGGATCCAGCATGAGGCCAGGTCTGCATGTGCACAGG-3'